The following is an entry in ClinVar:

ClinVar aggregate classification (germline): Likely benign. Review status: criteria provided, multiple submitters, no conflicts (2 of 4 stars). 3 submissions from 3 submitters: Likely benign (3). Last evaluated 2025-12-03.

Allele frequency attached by ClinVar (database versions not stated): TOPMed 0.00003; gnomAD exomes 0.00005; ExAC 0.00006; gnomAD 0.00006 and 0.00007.
gnomAD v4.1: 85 of 1,614,048 alleles (0.0053%); highest among the groups gnomAD compares: South Asian, 0.016%; no homozygotes.

Submissions (3):

Labcorp Genetics (formerly Invitae), Labcorp
Classification: Likely benign. Last evaluated: 2025-12-03. Review status: criteria provided, single submitter. Criteria: Invitae Variant Classification Sherloc (09022015). Collection method: clinical testing. Allele origin: germline.

Blueprint Genetics
Classification: Likely benign. Last evaluated: 2023-04-04. Review status: criteria provided, single submitter. Criteria: ACMG Guidelines, 2015. Collection method: clinical testing. Allele origin: germline.

Laboratory for Molecular Medicine, Mass General Brigham Personalized Medicine
Classification: Likely benign. Last evaluated: 2016-06-05. Review status: criteria provided, single submitter. Criteria: LMM Criteria. Collection method: clinical testing. Allele origin: germline. Observed: 1 variant allele.
Comment: p.Phe603Phe in exon 14 of CACNA1D: This variant is not expected to have clinical significance because it does not alter an amino acid residue and it is not loca ted within the splice consensus sequence. It has been identified in 7/121412 of the total chromosomes across several populations by the Exome Aggregation Conso rtium (ExAC; dbSNP rs565265907).

NM_001128840.3(CACNA1D):c.1749C>T (p.Phe583=)

Gene: CACNA1D (calcium voltage-gated channel subunit alpha1 D; plus strand). Cytogenetic location: 3p21.1.
Variant type: single nucleotide variant.
Coding change: c.1749C>T on transcript NM_001128840.3 (MANE Select); coding-DNA position 1749, C replaced by T.
Protein change: p.Phe583=; no amino-acid change (phenylalanine 583 retained).
Molecular consequence: synonymous variant.
Genome position (GRCh38, 1-based): chr3:53,723,516, C>T. VCF-style: chr3-53723516-C-T. GRCh37 (hg19) VCF-style: chr3-53757543-C-T.
Other names: c.1809C>T, p.Phe603= (NM_000720.4); c.1749C>T, p.Phe583= (NM_001128839.3).
Identifiers: ClinVar variation 505098 (VCV000505098.12), dbSNP rs565265907, ClinGen allele CA2454067.